The following is an entry in ClinVar:

ClinVar aggregate classification (germline): Uncertain significance (1 of 4 stars; one submission).

Conditions:
Norman-Roberts syndrome (LIS2). Also called: Lissencephaly 2 (Norman-Roberts type). Identifiers: Orphanet 89844, MedGen C0796089, MONDO:0009760, OMIM 257320.
Familial temporal lobe epilepsy 7. Identifiers: Orphanet 101046, MedGen C4225327, MONDO:0014639, OMIM 616436.

Allele frequency attached by ClinVar (database versions not stated): ExAC 0.00001; gnomAD 0.00001; gnomAD exomes 0.00001; TOPMed 0.00001.

Submission:

Labcorp Genetics (formerly Invitae), Labcorp
Classification: Uncertain significance for Familial temporal lobe epilepsy 7; Norman-Roberts syndrome. Last evaluated: 2021-12-29. Review status: criteria provided, single submitter. Criteria: Invitae Variant Classification Sherloc (09022015). Collection method: clinical testing. Allele origin: germline.
Comment: Algorithms developed to predict the effect of missense changes on protein structure and function output the following: SIFT: "Tolerated"; PolyPhen-2: "Benign"; Align-GVGD: "Class C0". The threonine amino acid residue is found in multiple mammalian species, which suggests that this missense change does not adversely affect protein function. In summary, the available evidence is currently insufficient to determine the role of this variant in disease. Therefore, it has been classified as a Variant of Uncertain Significance. This variant has not been reported in the literature in individuals affected with RELN-related conditions. This variant is present in population databases (rs759633233, gnomAD 0.002%). This sequence change replaces isoleucine, which is neutral and non-polar, with threonine, which is neutral and polar, at codon 500 of the RELN protein (p.Ile500Thr).

NM_005045.4(RELN):c.1499T>C (p.Ile500Thr)

Gene: RELN (reelin; minus strand). Cytogenetic location: 7q22.1.
Variant type: single nucleotide variant.
Coding change: c.1499T>C on transcript NM_005045.4 (MANE Select); coding-DNA position 1499, T replaced by C.
Protein change: p.Ile500Thr; replaces isoleucine 500 with threonine.
Molecular consequence: missense variant.
Genome position (GRCh38, 1-based): chr7:103,654,148, A>G on the plus strand (T>C on the coding strand, the complement: RELN is on the minus strand). VCF-style: chr7-103654148-A-G. GRCh37 (hg19) VCF-style: chr7-103294595-A-G.
Other names: c.1499T>C, p.Ile500Thr (NM_173054.3); short protein forms I500T.
Identifiers: ClinVar variation 1367900 (VCV001367900.6), dbSNP rs759633233, ClinGen allele CA4422250.